The following is an entry in ClinVar:

NM_001134363.3(RBM20):c.2758T>G (p.Phe920Val)

Gene: RBM20 (RNA binding motif protein 20; plus strand). Cytogenetic location: 10q25.2.
Variant type: single nucleotide variant.
Coding change: c.2758T>G on transcript NM_001134363.3 (MANE Select); coding-DNA position 2758, T replaced by G.
Protein change: p.Phe920Val; replaces phenylalanine 920 with valine.
Molecular consequence: missense variant.
Genome position (GRCh38, 1-based): chr10:110,821,377, T>G. VCF-style: chr10-110821377-T-G. GRCh37 (hg19) VCF-style: chr10-112581135-T-G.
Other names: short protein forms F920V.
Identifiers: ClinVar variation 1979618 (VCV001979618.4), dbSNP rs2493493383, ClinGen allele CA378377500.
Genomic context (GRCh38, chr10:110,821,377, plus strand): 5'-TGGTATCCCACTAACATGGAGGAGCTGGTGACAGTGGACGAGGTTGGGGAAGAAGAAGAT[T>G]TTATCGTGGAACCAGACATCCCAGAGCTGGAAGAAATTGTGCCCATTGACCAGAAAGACA-3'
Protein context (NP_001127835.2, residues 910-930): TVDEVGEEED[Phe920Val]IVEPDIPELE

ClinVar aggregate classification (germline): Uncertain significance (1 of 4 stars; one submission).

Conditions:
Dilated cardiomyopathy 1DD (CMD1DD). Identifiers: Orphanet 154, MedGen C2750995, MONDO:0013168, OMIM 613172.

Submission:

Labcorp Genetics (formerly Invitae), Labcorp
Classification: Uncertain significance for Dilated cardiomyopathy 1DD. Last evaluated: 2023-09-15. Review status: criteria provided, single submitter. Criteria: Invitae Variant Classification Sherloc (09022015). Collection method: clinical testing. Allele origin: germline.
Comment: In summary, the available evidence is currently insufficient to determine the role of this variant in disease. Therefore, it has been classified as a Variant of Uncertain Significance. Advanced modeling of protein sequence and biophysical properties (such as structural, functional, and spatial information, amino acid conservation, physicochemical variation, residue mobility, and thermodynamic stability) performed at Invitae indicates that this missense variant is not expected to disrupt RBM20 protein function. ClinVar contains an entry for this variant (Variation ID: 1979618). This variant has not been reported in the literature in individuals affected with RBM20-related conditions. This variant is not present in population databases (gnomAD no frequency). This sequence change replaces phenylalanine, which is neutral and non-polar, with valine, which is neutral and non-polar, at codon 920 of the RBM20 protein (p.Phe920Val).